The following is an entry in ClinVar:

NM_182961.4(SYNE1):c.1871G>A (p.Ser624Asn)

Gene: SYNE1 (spectrin repeat containing nuclear envelope protein 1; minus strand). Cytogenetic location: 6q25.2.
Variant type: single nucleotide variant.
Coding change: c.1871G>A on transcript NM_182961.4 (MANE Select); coding-DNA position 1871, G replaced by A.
Protein change: p.Ser624Asn; replaces serine 624 with asparagine.
Molecular consequence: missense variant.
Genome position (GRCh38, 1-based): chr6:152,465,319, C>T on the plus strand (G>A on the coding strand, the complement: SYNE1 is on the minus strand). VCF-style: chr6-152465319-C-T. GRCh37 (hg19) VCF-style: chr6-152786454-C-T.
Other names: c.1892G>A, p.Ser631Asn (NM_033071.5); short protein forms S624N, S631N.
Identifiers: ClinVar variation 2107763 (VCV002107763.4), dbSNP rs775660836, ClinGen allele CA4059288.

ClinVar aggregate classification (germline): Uncertain significance (1 of 4 stars; one submission).

Conditions:
Emery-Dreifuss muscular dystrophy 4, autosomal dominant (EDMD4). Also called: EMERY-DREIFUSS MUSCULAR DYSTROPHY 4 WITH VARIABLE FEATURES. Identifiers: Orphanet 261, MedGen C2751807, MONDO:0013071, OMIM 612998.
Autosomal recessive ataxia, Beauce type. Also called: SYNE1 Deficiency; Spinocerebellar ataxia, autosomal recessive 8; ATAXIA, RECESSIVE, OF BEAUCE; SYNE1-Related Autosomal Recessive Cerebellar Ataxia. Identifiers: Orphanet 88644, MedGen C1853116, MONDO:0012549, OMIM 610743.

Allele frequency attached by ClinVar (database versions not stated): ExAC 0.00070.

Submission:

Labcorp Genetics (formerly Invitae), Labcorp
Classification: Uncertain significance for Emery-Dreifuss muscular dystrophy 4, autosomal dominant; Autosomal recessive ataxia, Beauce type. Last evaluated: 2022-03-09. Review status: criteria provided, single submitter. Criteria: Invitae Variant Classification Sherloc (09022015). Collection method: clinical testing. Allele origin: germline.
Comment: This variant has not been reported in the literature in individuals affected with SYNE1-related conditions. This sequence change replaces serine, which is neutral and polar, with asparagine, which is neutral and polar, at codon 631 of the SYNE1 protein (p.Ser631Asn). The frequency data for this variant in the population databases is considered unreliable, as metrics indicate poor data quality at this position in the gnomAD database. Algorithms developed to predict the effect of missense changes on protein structure and function are either unavailable or do not agree on the potential impact of this missense change (SIFT: "Tolerated"; PolyPhen-2: "Possibly Damaging"; Align-GVGD: "Class C0"). In summary, the available evidence is currently insufficient to determine the role of this variant in disease. Therefore, it has been classified as a Variant of Uncertain Significance.